The following is an entry in ClinVar:

ClinVar aggregate classification (germline): Benign/Likely benign. Review status: criteria provided, multiple submitters, no conflicts (2 of 4 stars). 2 submissions from 2 submitters: Benign (1); Likely benign (1). Last evaluated 2024-08-24.

Conditions:
Hereditary sensory neuropathy-deafness-dementia syndrome. Also called: Hereditary sensory neuropathy type IE; Hereditary Sensory and Autonomic Neuropathy Type 1E (HSAN1E); HSN IE; NEUROPATHY, HEREDITARY SENSORY, WITH HEARING LOSS AND DEMENTIA. Identifiers: Orphanet 456318, MedGen C3279885, MONDO:0013584, OMIM 614116.

Allele frequency attached by ClinVar (database versions not stated): gnomAD 0.00001 and 0.00003; gnomAD exomes 0.00003; 1000 Genomes Project 30x 0.00016; ExAC 0.00017; 1000 Genomes Project 0.00020.
gnomAD v4.1: 127 of 1,543,446 alleles (0.0082%); highest among the groups gnomAD compares: East Asian, 0.28%; no homozygotes.

Submissions (2):

Labcorp Genetics (formerly Invitae), Labcorp
Classification: Likely benign for Hereditary sensory neuropathy-deafness-dementia syndrome. Last evaluated: 2024-08-24. Review status: criteria provided, single submitter. Criteria: Invitae Variant Classification Sherloc (09022015). Collection method: clinical testing. Allele origin: germline.

Illumina Laboratory Services, Illumina
Classification: Benign for Hereditary sensory neuropathy-deafness-dementia syndrome. Last evaluated: 2018-01-13. Review status: criteria provided, single submitter. Criteria: ICSL Variant Classification Criteria 13 December 2019. Collection method: clinical testing. Allele origin: germline.
Comment: This variant was observed in the ICSL laboratory as part of a predisposition screen in an ostensibly healthy population. It had not been previously curated by ICSL or reported in the Human Gene Mutation Database (HGMD: prior to June 1st, 2018), and was therefore a candidate for classification through an automated scoring system. Utilizing variant allele frequency, disease prevalence and penetrance estimates, and inheritance mode, an automated score was calculated to assess if this variant is too frequent to cause the disease. Based on the score and internal cut-off values, a variant classified as benign is not then subjected to further curation. The score for this variant resulted in a classification of benign for this disease.

NM_001130823.3(DNMT1):c.4657-15G>A

Genes: DNMT1 (DNA methyltransferase 1; minus strand), LOC126862853 (CDK7 strongly-dependent group 2 enhancer GRCh37_chr19:10246117-10247316; plus strand). Cytogenetic location: 19p13.2.
Variant type: single nucleotide variant.
Coding change: c.4657-15G>A on transcript NM_001130823.3 (MANE Select); 15 bases into the intron before coding-DNA position 4657, G replaced by A.
Molecular consequence: intron variant.
Genome position (GRCh38, 1-based): chr19:10,135,867, C>T on the plus strand (G>A on the coding strand, the complement: DNMT1 is on the minus strand). VCF-style: chr19-10135867-C-T. GRCh37 (hg19) VCF-style: chr19-10246543-C-T.
Other names: c.4657-15G>A (LRG_362t1); c.4294-15G>A (NM_001318731.2); c.4609-15G>A (NM_001379.4); c.4618-15G>A (NM_001318730.2).
Identifiers: ClinVar variation 327887 (VCV000327887.8), dbSNP rs201805582, ClinGen allele CA9187446.